The following is an entry in ClinVar:

ClinVar aggregate classification (germline): Uncertain significance. Review status: criteria provided, multiple submitters, no conflicts (2 of 4 stars). 10 submissions from 10 submitters: Uncertain significance (9). 1 of the submissions does not count toward it. Last evaluated 2026-04-01.

Conditions:
Hereditary cancer-predisposing syndrome. Also called: Neoplastic Syndromes, Hereditary; Hereditary neoplastic syndrome; Tumor predisposition; Hereditary Cancer Syndrome. Identifiers: Orphanet 140162, MedGen C0027672, MeSH D009386, MONDO:0015356.
Baller-Gerold syndrome (BGS). Also called: CRANIOSYNOSTOSIS WITH RADIAL DEFECTS. Identifiers: Orphanet 1225, MedGen C0265308, MONDO:0009039, OMIM 218600.
Inborn genetic diseases. Identifiers: MedGen C0950123, MeSH D030342.
Rothmund-Thomson syndrome type 2 (RTS2). Identifiers: Orphanet 221016, MedGen C5203410, MONDO:0016369, OMIM 268400.
Rapadilino syndrome. Identifiers: Orphanet 3021, MedGen C1849453, MONDO:0009955, OMIM 266280.
Ovarian cancer. Also called: OVARIAN CANCER, SOMATIC. Identifiers: Orphanet 213500, MedGen C1140680, MONDO:0008170, OMIM 167000.

Allele frequency attached by ClinVar (database versions not stated): gnomAD exomes 0.00004 and 0.00005; gnomAD 0.00005 and 0.00006; TOPMed 0.00007; ExAC 0.00009; 1000 Genomes Project 0.00040; 1000 Genomes Project 30x 0.00047.
gnomAD v4.1: 72 of 1,600,110 alleles (0.0045%); highest among the groups gnomAD compares: African/African-American, 0.0094%; no homozygotes.

Submissions (10):

CeGaT Center for Human Genetics Tuebingen
Classification: Uncertain significance. Last evaluated: 2026-04-01. Review status: criteria provided, single submitter. Criteria: CeGaT Center For Human Genetics Tuebingen Variant Classification Criteria Version 2. Collection method: clinical testing. Allele origin: germline. Affected: yes. Observed: 2 variant alleles.
Comment: RECQL4: PM2, BP4

Labcorp Genetics (formerly Invitae), Labcorp
Classification: Uncertain significance for Baller-Gerold syndrome. Last evaluated: 2025-12-02. Review status: criteria provided, single submitter. Criteria: Invitae Variant Classification Sherloc (09022015). Collection method: clinical testing. Allele origin: germline.
Comment: This sequence change replaces arginine, which is basic and polar, with glutamine, which is neutral and polar, at codon 715 of the RECQL4 protein (p.Arg715Gln). This variant is present in population databases (rs184775551, gnomAD 0.01%). This variant has not been reported in the literature in individuals affected with RECQL4-related conditions. ClinVar contains an entry for this variant (Variation ID: 406912). Invitae Evidence Modeling of protein sequence and biophysical properties (such as structural, functional, and spatial information, amino acid conservation, physicochemical variation, residue mobility, and thermodynamic stability) indicates that this missense variant is expected to disrupt RECQL4 protein function with a positive predictive value of 80%. In summary, the available evidence is currently insufficient to determine the role of this variant in disease. Therefore, it has been classified as a Variant of Uncertain Significance.

GeneDx
Classification: Uncertain significance. Last evaluated: 2023-06-21. Review status: criteria provided, single submitter. Criteria: GeneDx Variant Classification Process June 2021. Collection method: clinical testing. Allele origin: germline. Affected: yes.
Comment: In silico analysis supports that this missense variant has a deleterious effect on protein structure/function; Observed in an individual with pancreatic ductal adenocarcinoma (PDAC) (Yin et al., 2022); This variant is associated with the following publications: (PMID: 25801821, 35171259)

St. Jude Molecular Pathology, St. Jude Children's Research Hospital
Classification: Uncertain significance for Rothmund-Thomson syndrome type 2. Last evaluated: 2023-03-08. Review status: criteria provided, single submitter. Criteria: St. Jude Assertion Criteria 2020. Collection method: clinical testing. Allele origin: germline.
Comment: The RECQL4 c.2144G>A (p.Arg715Gln) missense change has a maximum subpopulation frequency of 0.018% in gnomAD v2.1.1. In silico tools predict a deleterious effect of this variant on protein function, but to our knowledge functional studies have not been performed. To our knowledge, this variant has not been reported in individuals with RECQL4-associated conditions. In summary, the evidence currently available is insufficient to determine the clinical significance of this variant. It has therefore been classified as of uncertain significance.

Sema4
Classification: Uncertain significance for Hereditary cancer-predisposing syndrome. Last evaluated: 2022-03-18. Review status: criteria provided, single submitter. Criteria: Sema4 Curation Guidelines. Collection method: curation. Allele origin: germline.
Comment: The RECQL4 c.2144G>A (p.R715Q) variant has not been reported in the literature in individuals with a RECQL4-related disease. This variant was observed in 5/27972 chromosomes in the South Asian population according to the Genome Aggregation Database (PMID: 32461654). This variant has been reported in ClinVar (Variation ID: 406912). Functional studies have not been performed, and in silico predictions of the variant's effect on protein function are inconclusive. The evidence is insufficient to meet ACMG/AMP criteria for classifying the variant as benign or pathogenic. Thus, the clinical significance of this variant is currently uncertain.

Institute for Clinical Genetics, University Hospital TU Dresden, University Hospital TU Dresden
Classification: Uncertain significance. Last evaluated: 2021-11-03. Review status: criteria provided, single submitter. Criteria: ACMG Guidelines, 2015. Collection method: clinical testing. Allele origin: germline.

Ambry Genetics
Classification: Uncertain significance for Inborn genetic diseases. Last evaluated: 2021-09-17. Review status: criteria provided, single submitter. Criteria: Ambry Variant Classification Scheme 2023. Collection method: clinical testing. Allele origin: germline.

Fulgent Genetics
Classification: Uncertain significance for Baller-Gerold syndrome; Rapadilino syndrome; Rothmund-Thomson syndrome type 2. Last evaluated: 2021-07-11. Review status: criteria provided, single submitter. Criteria: ACMG Guidelines, 2015. Collection method: clinical testing. Allele origin: unknown.

Baylor Genetics
Classification: Uncertain significance for Rothmund-Thomson syndrome type 2. Last evaluated: 2020-06-30. Review status: criteria provided, single submitter. Criteria: ACMG Guidelines, 2015. Collection method: clinical testing. Allele origin: unknown. Affected: yes. Study: CSER-TexasKidsCanSeq.
Comment: This variant was determined to be of uncertain significance according to ACMG Guidelines, 2015 [PMID:25741868].

Laboratory of Molecular Epidemiology of Birth Defects, West China Second University Hospital, Sichuan University
Classification: Likely pathogenic for Ovarian cancer. Last evaluated: 2022-01-01. Review status: flagged submission. Criteria: ACMG Guidelines, 2015. Collection method: clinical testing. Allele origin: germline. Affected: yes. Not counted in ClinVar's aggregate classification.
ClinVar note: Reason: Outlier claim with insufficient supporting evidence

NM_004260.4(RECQL4):c.2144G>A (p.Arg715Gln)

Gene: RECQL4 (RecQ like helicase 4; minus strand). Cytogenetic location: 8q24.3.
Variant type: single nucleotide variant.
Coding change: c.2144G>A on transcript NM_004260.4 (MANE Select); coding-DNA position 2144, G replaced by A.
Protein change: p.Arg715Gln; replaces arginine 715 with glutamine.
Molecular consequence: missense variant.
Genome position (GRCh38, 1-based): chr8:144,513,627, C>T on the plus strand (G>A on the coding strand, the complement: RECQL4 is on the minus strand). VCF-style: chr8-144513627-C-T. GRCh37 (hg19) VCF-style: chr8-145739011-C-T.
Other names: short protein forms R715Q.
Identifiers: ClinVar variation 406912 (VCV000406912.34), dbSNP rs184775551, ClinGen allele CA4948447.